The following is an entry in ClinVar:

NM_201253.3(CRB1):c.2150del (p.Gly717fs)

Gene: CRB1 (crumbs cell polarity complex component 1; plus strand). Cytogenetic location: 1q31.3.
Variant type: Deletion.
Coding change: c.2150del on transcript NM_201253.3 (MANE Select); coding-DNA position 2150, one base deleted (G; older notation c.2150delG).
Protein change: p.Gly717fs; shifts the reading frame from glycine 717.
Molecular consequence: frameshift variant. On other transcripts: non-coding transcript variant (2), intron variant (1).
Genome position (GRCh38, 1-based): chr1:197,427,475, G deleted; the last of 2 consecutive G bases (chr1:197,427,474-197,427,475); deleting either gives the same sequence. VCF-style (leftmost placement, unchanged base first): chr1-197427473-TG-T. GRCh37 (hg19) VCF-style: chr1-197396603-TG-T.
Other names: c.1814del, p.Gly605fs (NM_001193640.2); c.1943del, p.Gly648fs (NM_001257965.2); c.2128+5519del (NM_001257966.2); short protein forms G648fs, G717fs, G605fs.
Identifiers: ClinVar variation 1437111 (VCV001437111.6), dbSNP rs2125483574, ClinGen allele CA2573131434.

ClinVar aggregate classification (germline): Pathogenic (1 of 4 stars; one submission).

Conditions:
Retinitis pigmentosa 12 (RP12). Also called: RP WITH OR WITHOUT PPRPE; RP WITH OR WITHOUT PRESERVED PARAARTERIOLE RETINAL PIGMENT EPITHELIUM; RETINITIS PIGMENTOSA WITH OR WITHOUT PARAARTERIOLAR PRESERVATION OF RETINAL PIGMENT EPITHELIUM. Identifiers: Orphanet 791, MedGen C1838647, MONDO:0010818, OMIM 600105.
Leber congenital amaurosis 8 (LCA8). Identifiers: Orphanet 65, MedGen C3151202, MONDO:0013453, OMIM 613835.

Submission:

Labcorp Genetics (formerly Invitae), Labcorp
Classification: Pathogenic for Leber congenital amaurosis 8; Retinitis pigmentosa 12. Last evaluated: 2022-03-09. Review status: criteria provided, single submitter. Criteria: Invitae Variant Classification Sherloc (09022015). Collection method: clinical testing. Allele origin: germline.
Comment: This sequence change creates a premature translational stop signal (p.Gly717Alafs*37) in the CRB1 gene. It is expected to result in an absent or disrupted protein product. Loss-of-function variants in CRB1 are known to be pathogenic (PMID: 10508521, 22065545, 23379534, 25412400, 26957898, 28041643, 29391521). This variant is not present in population databases (gnomAD no frequency). This variant has not been reported in the literature in individuals affected with CRB1-related conditions. For these reasons, this variant has been classified as Pathogenic.

Literature cited by the submitters: PubMed 10508521; PubMed 22065545; PubMed 23379534; PubMed 25412400; PubMed 26957898; PubMed 28041643; PubMed 29391521.